The following is an entry in ClinVar:

ClinVar aggregate classification (germline): Uncertain significance. Review status: criteria provided, multiple submitters, no conflicts (2 of 4 stars). 2 submissions from 2 submitters: Uncertain significance (2). Last evaluated 2024-10-29.

Allele frequency attached by ClinVar (database versions not stated): ExAC 0.00001; gnomAD 0.00001; gnomAD exomes 0.00001; TOPMed 0.00003; 1000 Genomes Project 30x 0.00016; 1000 Genomes Project 0.00020.

Submissions (2):

Labcorp Genetics (formerly Invitae), Labcorp
Classification: Uncertain significance. Last evaluated: 2024-10-29. Review status: criteria provided, single submitter. Criteria: Invitae Variant Classification Sherloc (09022015). Collection method: clinical testing. Allele origin: germline.
Comment: This sequence change replaces valine, which is neutral and non-polar, with methionine, which is neutral and non-polar, at codon 127 of the SPP2 protein (p.Val127Met). The frequency data for this variant in the population databases is considered unreliable, as metrics indicate poor data quality at this position in the gnomAD database. This variant has not been reported in the literature in individuals affected with SPP2-related conditions. ClinVar contains an entry for this variant (Variation ID: 1403456). An algorithm developed to predict the effect of missense changes on protein structure and function (PolyPhen-2) suggests that this variant is likely to be disruptive. In summary, the available evidence is currently insufficient to determine the role of this variant in disease. Therefore, it has been classified as a Variant of Uncertain Significance.

Blueprint Genetics
Classification: Uncertain significance. Last evaluated: 2022-05-13. Review status: criteria provided, single submitter. Criteria: ACMG Guidelines, 2015. Collection method: clinical testing. Allele origin: germline.

NM_006944.3(SPP2):c.379G>A (p.Val127Met)

Gene: SPP2 (secreted phosphoprotein 2; plus strand). Cytogenetic location: 2q37.1.
Variant type: single nucleotide variant.
Coding change: c.379G>A on transcript NM_006944.3 (MANE Select); coding-DNA position 379, G replaced by A.
Protein change: p.Val127Met; replaces valine 127 with methionine.
Molecular consequence: missense variant.
Genome position (GRCh38, 1-based): chr2:234,060,414, G>A. VCF-style: chr2-234060414-G-A. GRCh37 (hg19) VCF-style: chr2-234969058-G-A.
Other names: short protein forms V127M.
Identifiers: ClinVar variation 1403456 (VCV001403456.7), dbSNP rs199501024, ClinGen allele CA2183177.